The following is an entry in ClinVar:

NM_053025.4(MYLK):c.2551C>T (p.Pro851Ser)

Gene: MYLK (myosin light chain kinase; minus strand). Cytogenetic location: 3q21.1.
Variant type: single nucleotide variant.
Coding change: c.2551C>T on transcript NM_053025.4 (MANE Select); coding-DNA position 2551, C replaced by T.
Protein change: p.Pro851Ser; replaces proline 851 with serine.
Molecular consequence: missense variant.
Genome position (GRCh38, 1-based): chr3:123,700,917, G>A on the plus strand (C>T on the coding strand, the complement: MYLK is on the minus strand). VCF-style: chr3-123700917-G-A. GRCh37 (hg19) VCF-style: chr3-123419764-G-A.
Other names: c.2023C>T, p.Pro675Ser (NM_001321309.2); c.2344C>T, p.Pro782Ser (NM_053026.4, NM_053028.4); c.2551C>T, p.Pro851Ser (NM_053027.4); short protein forms P675S, P782S, P851S.
Identifiers: ClinVar variation 1792960 (VCV001792960.2), dbSNP rs929779721, ClinGen allele CA82925557.

ClinVar aggregate classification (germline): Uncertain significance (1 of 4 stars; one submission).

Conditions:
Familial thoracic aortic aneurysm and aortic dissection (TAAD). Also called: Thoracic aortic aneurysms and dissections. Identifiers: Orphanet 91387, MedGen C4707243, MONDO:0019625.

Allele frequency attached by ClinVar (database versions not stated): TOPMed 0.00001.

Submission:

Ambry Genetics
Classification: Uncertain significance for Familial thoracic aortic aneurysm and aortic dissection. Last evaluated: 2021-06-22. Review status: criteria provided, single submitter. Criteria: Ambry Variant Classification Scheme 2023. Collection method: clinical testing. Allele origin: germline.
Comment: The p.P851S variant (also known as c.2551C>T), located in coding exon 15 of the MYLK gene, results from a C to T substitution at nucleotide position 2551. The proline at codon 851 is replaced by serine, an amino acid with similar properties. This amino acid position is conserved. In addition, this alteration is predicted to be tolerated by in silico analysis. Since supporting evidence is limited at this time, the clinical significance of this alteration remains unclear.